The following is an entry in ClinVar:

NM_004577.4(PSPH):c.*8T>C

Gene: PSPH (phosphoserine phosphatase; minus strand). Cytogenetic location: 7p11.2.
Variant type: single nucleotide variant.
Coding change: c.*8T>C on transcript NM_004577.4 (MANE Select); 8 bases downstream of the stop codon, T replaced by C.
Molecular consequence: 3 prime UTR variant.
Genome position (GRCh38, 1-based): chr7:56,011,754, A>G on the plus strand (T>C on the coding strand, the complement: PSPH is on the minus strand). VCF-style: chr7-56011754-A-G. GRCh37 (hg19) VCF-style: chr7-56079447-A-G.
Other names: c.*8T>C (NM_001370503.1, NM_001370504.1, NM_001370505.1 and 17 more transcripts).
Identifiers: ClinVar variation 910292 (VCV000910292.4), dbSNP rs140998795, ClinGen allele CA4268579.
Genomic context (GRCh38, chr7:56,011,754, plus strand): 5'-AACAGTATCAATCTGTATAACTTGTAAAAATTCATCTGAAGTTGTTTGGAGCTGTACGAC[A>G]ATGGATGTTATTCTTCCAGTTCTCCCAGCAGCTCTACAAAATCAGTGATATACCATTTGG-3'

ClinVar aggregate classification (germline): Benign (1 of 4 stars; one submission).

Conditions:
Deficiency of phosphoserine phosphatase (PSPHD). Also called: Phosphoserine phosphatase deficiency; PSPH deficiency. Identifiers: Orphanet 79350, MedGen C1291463, MONDO:0013531, OMIM 614023.

Allele frequency attached by ClinVar (database versions not stated): gnomAD exomes 0.00078 and 0.00193; ExAC 0.00204; ESP Exome Variant Server 0.00623; gnomAD 0.00697 and 0.00754; 1000 Genomes Project 30x 0.00703; 1000 Genomes Project 0.00719; TOPMed 0.00766.
gnomAD v4.1: 2,266 of 1,599,934 alleles (0.14%); highest among the groups gnomAD compares: African/African-American, 2.2%; 23 homozygotes.

Submission:

Illumina Laboratory Services, Illumina
Classification: Benign for Deficiency of phosphoserine phosphatase. Last evaluated: 2017-04-27. Review status: criteria provided, single submitter. Criteria: ICSL Variant Classification Criteria 13 December 2019. Collection method: clinical testing. Allele origin: germline.
Comment: This variant was observed as part of a predisposition screen in an ostensibly healthy population. A literature search was performed for the gene, cDNA change, and amino acid change (where applicable). No publications were found based on this search. Allele frequency data from public databases was too high to be consistent with this variant causing disease. Therefore, this variant is classified as benign.